The following is an entry in ClinVar:

ClinVar aggregate classification (germline): Uncertain significance (1 of 4 stars; one submission).

Conditions:
Familial focal epilepsy with variable foci (FPEVF). Identifiers: Orphanet 98820, MedGen C1858477, MONDO:0020310.

Allele frequency attached by ClinVar (database versions not stated): TOPMed 0.00001.
gnomAD v4.1: 2 of 1,614,148 alleles (0.00012%); highest among the groups gnomAD compares: South Asian, 0.0011%; no homozygotes.

Submission:

Labcorp Genetics (formerly Invitae), Labcorp
Classification: Uncertain significance for Familial focal epilepsy with variable foci. Last evaluated: 2023-08-04. Review status: criteria provided, single submitter. Criteria: Invitae Variant Classification Sherloc (09022015). Collection method: clinical testing. Allele origin: germline.
Comment: In summary, the available evidence is currently insufficient to determine the role of this variant in disease. Therefore, it has been classified as a Variant of Uncertain Significance. Variants that disrupt the consensus splice site are a relatively common cause of aberrant splicing (PMID: 17576681, 9536098). Algorithms developed to predict the effect of sequence changes on RNA splicing suggest that this variant is not likely to affect RNA splicing. ClinVar contains an entry for this variant (Variation ID: 1423354). This variant has not been reported in the literature in individuals affected with DEPDC5-related conditions. This variant is not present in population databases (gnomAD no frequency). This sequence change falls in intron 21 of the DEPDC5 gene. It does not directly change the encoded amino acid sequence of the DEPDC5 protein. It affects a nucleotide within the consensus splice site.

Literature cited by the submitters: PubMed 17576681; PubMed 9536098.

NM_001242896.3(DEPDC5):c.1666+6A>G

Gene: DEPDC5 (DEP domain containing 5, GATOR1 subcomplex subunit; plus strand). Cytogenetic location: 22q12.3.
Variant type: single nucleotide variant.
Coding change: c.1666+6A>G on transcript NM_001242896.3 (MANE Select); 6 bases into the intron after coding-DNA position 1666, A replaced by G.
Molecular consequence: intron variant.
Genome position (GRCh38, 1-based): chr22:31,815,218, A>G. VCF-style: chr22-31815218-A-G. GRCh37 (hg19) VCF-style: chr22-32211204-A-G.
Other names: c.1666+6A>G (NM_001364318.2, NM_001136029.4, NM_014662.6 and 7 more transcripts); c.1582+6A>G (NM_001369902.1, NM_001369901.1).
Identifiers: ClinVar variation 1423354 (VCV001423354.6), dbSNP rs1323258551, ClinGen allele CA752447192.